The following is an entry in ClinVar:

NM_000091.5(COL4A3):c.3116G>A (p.Gly1039Glu)

Genes: MFF-DT (MFF divergent transcript; minus strand), COL4A3 (collagen type IV alpha 3 chain; plus strand). Cytogenetic location: 2q36.3.
Variant type: single nucleotide variant.
Coding change: c.3116G>A on transcript NM_000091.5 (MANE Select); coding-DNA position 3116, G replaced by A.
Protein change: p.Gly1039Glu; replaces glycine 1039 with glutamic acid.
Molecular consequence: missense variant.
Genome position (GRCh38, 1-based): chr2:227,290,792, G>A. VCF-style: chr2-227290792-G-A. GRCh37 (hg19) VCF-style: chr2-228155508-G-A.
Other names: c.3116G>A (NM_000091.4); short protein forms G1039E.
Identifiers: ClinVar variation 1021829 (VCV001021829.12), dbSNP rs2072647561, ClinGen allele CA350855589.

ClinVar aggregate classification (germline): Conflicting classifications of pathogenicity. Review status: criteria provided, conflicting classifications (1 of 4 stars). 3 submissions from 3 submitters: Likely pathogenic (2); Uncertain significance (1). Last evaluated 2025-08-21.

Conditions:
Autosomal dominant Alport syndrome (ATS3A). Also called: Alport syndrome dominant type; Renal failure and sensorineural hearing loss; ALPORT SYNDROME 3A, AUTOSOMAL DOMINANT. Identifiers: Orphanet 63, Orphanet 88918, MedGen C5882663, MONDO:0007086, OMIM 104200.
Hematuria, benign familial, 2 (BFH2). Identifiers: MedGen C5830421, MONDO:0958186, OMIM 620320.
Alport syndrome 3b, autosomal recessive. Identifiers: MedGen C5882699, MONDO:0957811, OMIM 620536.
Alport syndrome. Also called: Hemorrhagic familial nephritis; Hemorrhagic hereditary nephritis; Congenital hereditary hematuria. Identifiers: Orphanet 63, MedGen C1567741, MONDO:0018965.

Allele frequency attached by ClinVar (database versions not stated): gnomAD exomes below 0.00001.
gnomAD v4.1: 1 of 1,613,660 alleles (0.000062%); highest among the groups gnomAD compares: Non-Finnish European, 0.000085%; no homozygotes.

Submissions (3):

Natera, Inc.
Classification: Likely pathogenic for Alport syndrome. Last evaluated: 2025-08-21. Review status: criteria provided, single submitter. Criteria: Natera Variant Classification Schema (03/2026). Collection method: clinical testing. Allele origin: germline.
Comment: The c.3116G>A variant in COL4A3 is a missense variant predicted to cause substitution of glycine to glutamic acid at amino acid 1039. This variant is rare in the general population with a frequency below the threshold expected for the associated phenotype(s). This variant is located in a functionally critical region of the protein. Computational prediction algorithms indicate this variant is likely to affect gene or protein function. Given the available evidence, this variant is classified as Likely Pathogenic.

Fulgent Genetics
Classification: Likely pathogenic for Autosomal dominant Alport syndrome; Hematuria, benign familial, 2; Alport syndrome 3b, autosomal recessive. Last evaluated: 2024-05-28. Review status: criteria provided, single submitter. Criteria: ACMG Guidelines, 2015. Collection method: clinical testing. Allele origin: germline.

Labcorp Genetics (formerly Invitae), Labcorp
Classification: Uncertain significance. Last evaluated: 2020-10-26. Review status: criteria provided, single submitter. Criteria: Invitae Variant Classification Sherloc (09022015). Collection method: clinical testing. Allele origin: germline.
Comment: In summary, the available evidence is currently insufficient to determine the role of this variant in disease. Therefore, it has been classified as a Variant of Uncertain Significance. This variant disrupts the p.Gly1039 amino acid residue in COL4A3. Other variant(s) that disrupt this residue have been observed in individuals with COL4A3-related conditions (PMID: 24854265, Invitae), which suggests that this may be a clinically significant amino acid residue. Advanced modeling of protein sequence and biophysical properties (such as structural, functional, and spatial information, amino acid conservation, physicochemical variation, residue mobility, and thermodynamic stability) performed at Invitae indicates that this missense variant is expected to disrupt COL4A3 protein function. This variant has been observed in individual(s) with clinical features of autosomal dominant Alport syndrome (Invitae). This variant is not present in population databases (ExAC no frequency). This sequence change replaces glycine with glutamic acid at codon 1039 of the COL4A3 protein (p.Gly1039Glu). The glycine residue is highly conserved and there is a moderate physicochemical difference between glycine and glutamic acid.

Literature cited by the submitters: PubMed 24854265 (cited by Labcorp Genetics (formerly Invitae), Labcorp).